The following is an entry in ClinVar:

ClinVar aggregate classification (germline): Pathogenic. Review status: criteria provided, single submitter (1 of 4 stars). 2 submissions from 2 submitters: Pathogenic (1). 1 of the submissions does not count toward it. Last evaluated 2020-11-04.

Conditions:
Developmental and epileptic encephalopathy, 54. Also called: Epileptic encephalopathy, early infantile, 54; HNRNPU-Related Neurodevelopmental Disorder. Identifiers: MedGen C4479319, MONDO:0033363, OMIM 617391.
HNRNPU-related disorder. Also called: HNRNPU-related condition.

Submissions (2):

GeneDx
Classification: Pathogenic. Last evaluated: 2020-11-04. Review status: criteria provided, single submitter. Criteria: GeneDx Variant Classification Process June 2021. Collection method: clinical testing. Allele origin: germline. Affected: yes.
Comment: Not observed in large population cohorts (Lek et al., 2016); In silico analysis supports a deleterious effect on splicing; This variant is associated with the following publications: (PMID: 30377382)

The Raphael Recanati Genetics Institute, Rabin Medical Center
Classification: Likely pathogenic for Developmental and epileptic encephalopathy, 54. Last evaluated: 2018-09-13. Review status: no assertion criteria provided. Collection method: clinical testing. Allele origin: de novo. Affected: yes. Observed: 1 variant allele. Not counted in ClinVar's aggregate classification.
Comment: AD de novo, proven abnormal splicing by RNA studies

NM_031844.3(HNRNPU):c.1230+5G>A

Gene: HNRNPU (heterogeneous nuclear ribonucleoprotein U; minus strand). Cytogenetic location: 1q44.
Variant type: single nucleotide variant.
Coding change: c.1230+5G>A on transcript NM_031844.3 (MANE Select); 5 bases into the intron after coding-DNA position 1230, G replaced by A.
Molecular consequence: intron variant.
Genome position (GRCh38, 1-based): chr1:244,858,724, C>T on the plus strand (G>A on the coding strand, the complement: HNRNPU is on the minus strand). VCF-style: chr1-244858724-C-T. GRCh37 (hg19) VCF-style: chr1-245022026-C-T.
Other names: c.1173+5G>A (NM_004501.3).
Identifiers: ClinVar variation 489084 (VCV000489084.5), dbSNP rs1553282723, ClinGen allele CA658683173.
Genomic context (GRCh38, chr1:244,858,724, plus strand): 5'-TTTAAAGTTCCTAGATATAGCTACTAACTTTGCCATTTATACATAGAAAGTTAGCTTTAA[C>T]TTACAGCAAAACATGTAATCACATCATTTTCATCAAACTTTTCTCCATAATCTTCAGTCT-3'